The following is an entry in ClinVar:

NM_152594.3(SPRED1):c.1324G>A (p.Ala442Thr)

Gene: SPRED1 (sprouty related EVH1 domain containing 1; plus strand). Cytogenetic location: 15q14.
Variant type: single nucleotide variant.
Coding change: c.1324G>A on transcript NM_152594.3 (MANE Select); coding-DNA position 1324, G replaced by A.
Protein change: p.Ala442Thr; replaces alanine 442 with threonine.
Molecular consequence: missense variant.
Genome position (GRCh38, 1-based): chr15:38,351,653, G>A. VCF-style: chr15-38351653-G-A. GRCh37 (hg19) VCF-style: chr15-38643854-G-A.
Other names: short protein forms A442T.
Identifiers: ClinVar variation 842373 (VCV000842373.10), dbSNP rs761401264, ClinGen allele CA7470265.
Genomic context (GRCh38, chr15:38,351,653, plus strand): 5'-CCTTTGAGAATGTGCCATCGCTGTGGTGAGGCATGTGGTTGCTGTGGTGGGAAACATAAA[G>A]CTGCTGGATGAAATGGTCCAGTGCCAAAATGAGCTTAAAATCTTTGTTTCCAGGAATTAG-3'
Protein context (NP_689807.1, residues 432-444): ACGCCGGKHK[Ala442Thr]AG

ClinVar aggregate classification (germline): Uncertain significance (1 of 4 stars; one submission).

Conditions:
Legius syndrome. Identifiers: Orphanet 137605, MedGen C1969623, MONDO:0012669, OMIM 611431. Disease mechanism: loss of function.

Allele frequency attached by ClinVar (database versions not stated): ExAC 0.00001; gnomAD exomes 0.00001.
gnomAD v4.1: 5 of 1,612,462 alleles (0.00031%); highest among the groups gnomAD compares: Admixed American, 0.0067%; no homozygotes.

Submission:

Labcorp Genetics (formerly Invitae), Labcorp
Classification: Uncertain significance for Legius syndrome. Last evaluated: 2025-12-09. Review status: criteria provided, single submitter. Criteria: Invitae Variant Classification Sherloc (09022015). Collection method: clinical testing. Allele origin: germline.
Comment: This sequence change replaces alanine, which is neutral and non-polar, with threonine, which is neutral and polar, at codon 442 of the SPRED1 protein (p.Ala442Thr). This variant is present in population databases (rs761401264, gnomAD 0.009%). This missense change has been observed in individual(s) with SPRED1-related conditions (PMID: 35904599). ClinVar contains an entry for this variant (Variation ID: 842373). Invitae Evidence Modeling of protein sequence and biophysical properties (such as structural, functional, and spatial information, amino acid conservation, physicochemical variation, residue mobility, and thermodynamic stability) indicates that this missense variant is expected to disrupt SPRED1 protein function with a positive predictive value of 80%. In summary, the available evidence is currently insufficient to determine the role of this variant in disease. Therefore, it has been classified as a Variant of Uncertain Significance.

Literature cited by the submitters: PubMed 35904599.